The following is an entry in ClinVar:

ClinVar aggregate classification (germline): Uncertain significance. Review status: criteria provided, multiple submitters, no conflicts (2 of 4 stars). 2 submissions from 2 submitters: Uncertain significance (2). Last evaluated 2023-08-04.

Submissions (2):

Labcorp Genetics (formerly Invitae), Labcorp
Classification: Uncertain significance. Last evaluated: 2023-08-04. Review status: criteria provided, single submitter. Criteria: Invitae Variant Classification Sherloc (09022015). Collection method: clinical testing. Allele origin: germline.
Comment: In summary, the available evidence is currently insufficient to determine the role of this variant in disease. Therefore, it has been classified as a Variant of Uncertain Significance. Experimental studies and prediction algorithms are not available or were not evaluated, and the functional significance of this variant is currently unknown. This variant has not been reported in the literature in individuals affected with FZD2-related conditions. This variant is not present in population databases (gnomAD no frequency). This variant, c.970_972del, results in the deletion of 1 amino acid(s) of the FZD2 protein (p.Lys324del), but otherwise preserves the integrity of the reading frame.

Blueprint Genetics
Classification: Uncertain significance. Last evaluated: 2022-10-17. Review status: criteria provided, single submitter. Criteria: ACMG Guidelines, 2015. Collection method: clinical testing. Allele origin: germline.

NM_001466.4(FZD2):c.967AAG[1] (p.Lys324del)

Gene: FZD2 (frizzled class receptor 2; plus strand). Cytogenetic location: 17q21.31.
Variant type: Microsatellite.
Coding change: c.967AAG[1] on transcript NM_001466.4 (MANE Select); one copy of the 3-base unit AAG starting at c.967; the reference has two copies in a row; one copy, 3 bases deleted.
Protein change: p.Lys324del; deletes lysine 324.
Molecular consequence: inframe deletion.
Genome position (GRCh38, 1-based): chr17:44,558,658-44,558,660, AAG deleted; deleting any 3 consecutive bases within chr17:44,558,655-44,558,660 gives the same sequence; the position shown is the placement nearest the transcript's 3' end. VCF-style (leftmost placement, unchanged base first): chr17-44558654-CAAG-C. GRCh37 (hg19) VCF-style: chr17-42636022-CAAG-C.
Other names: short protein forms K324del.
Identifiers: ClinVar variation 2810401 (VCV002810401.4), dbSNP rs1447287485, ClinGen allele CA772289413.